The following is an entry in ClinVar:

NM_000048.4(ASL):c.446+1G>A

Gene: ASL (argininosuccinate lyase; plus strand). Cytogenetic location: 7q11.21.
Variant type: single nucleotide variant.
Coding change: c.446+1G>A on transcript NM_000048.4 (MANE Select); the canonical splice donor site of the intron after coding-DNA position 446, G replaced by A.
Molecular consequence: splice donor variant.
Genome position (GRCh38, 1-based): chr7:66,083,175, G>A. VCF-style: chr7-66083175-G-A. GRCh37 (hg19) VCF-style: chr7-65548162-G-A.
Other names: IVS5DS, G-A, +1; c.446+1G>A (NM_001024943.2, NM_001024944.2, NM_001024946.2).
Identifiers: ClinVar variation 92361 (VCV000092361.39), dbSNP rs142637046, ClinGen allele CA285298.

ClinVar aggregate classification (germline): Pathogenic. Review status: criteria provided, multiple submitters, no conflicts (2 of 4 stars). 18 submissions from 18 submitters: Pathogenic (14). 4 of the submissions do not count toward it. Last evaluated 2026-03-05.

Conditions:
ASL-related disorder. Also called: ASL-related condition.
Argininosuccinate lyase deficiency. Also called: ARGININOSUCCINIC ACID LYASE DEFICIENCY; ASL DEFICIENCY; Argininosuccinic aciduria. Identifiers: Orphanet 23, MedGen C0268547, MONDO:0008815, OMIM 207900, HP:0025630.

Allele frequency attached by ClinVar (database versions not stated): gnomAD 0.00008; ExAC 0.00005; ESP Exome Variant Server 0.00008; TOPMed 0.00005; gnomAD exomes 0.00004 and 0.00009.
gnomAD v4.1: 147 of 1,612,142 alleles (0.0091%); highest among the groups gnomAD compares: Middle Eastern, 0.019%; no homozygotes.

Submissions (21):

Mendelics
Classification: Pathogenic for Argininosuccinate lyase deficiency. Last evaluated: 2026-03-05. Review status: criteria provided, single submitter. Criteria: ACMG Guidelines, 2015. Collection method: clinical testing. Allele origin: unknown.
Comment: Likely pathogenic/Pathogenic according to ACMG criteria.

Labcorp Genetics (formerly Invitae), Labcorp
Classification: Pathogenic for Argininosuccinate lyase deficiency. Last evaluated: 2026-01-20. Review status: criteria provided, single submitter. Criteria: Invitae Variant Classification Sherloc (09022015). Collection method: clinical testing. Allele origin: germline.
Comment: This sequence change affects a donor splice site in intron 6 of the ASL gene. It is expected to disrupt RNA splicing. Variants that disrupt the donor or acceptor splice site typically lead to a loss of protein function (PMID: 16199547), and loss-of-function variants in ASL are known to be pathogenic (PMID: 2263616, 24166829). This variant is present in population databases (rs142637046, gnomAD 0.01%). Disruption of this splice site has been observed in individuals with argininosuccinate lyase (ASL) deficiency (PMID: 12384776). This variant is also known as IVS5+1G>A. ClinVar contains an entry for this variant (Variation ID: 92361). Algorithms developed to predict the effect of sequence changes on RNA splicing suggest that this variant may disrupt the consensus splice site. For these reasons, this variant has been classified as Pathogenic.

Natera, Inc.
Classification: Pathogenic for Argininosuccinate lyase deficiency. Last evaluated: 2025-11-26. Review status: criteria provided, single submitter. Criteria: Natera Variant Classification Schema (03/2026). Collection method: clinical testing. Allele origin: germline.
Comment: The c.446+1G>A variant in ASL is a canonical splice donor site variant predicted to affect pre-mRNA splicing, which may result in an abnormal transcript and altered protein product. This variant is expected to result in nonsense mediated decay, truncation, or a dysfunctional protein product. This variant is rare in the general population with a frequency below the threshold expected for the associated phenotype(s). This variant has been observed in one or more individuals affected with the associated recessive disease, as either homozygous or compound heterozygous with a second variant (PMID: 24166829). Given the available evidence, this variant is classified as Pathogenic.

GeneDx
Classification: Pathogenic. Last evaluated: 2025-09-15. Review status: criteria provided, single submitter. Criteria: GeneDx Variant Classification Process June 2021. Collection method: clinical testing. Allele origin: germline. Affected: yes.
Comment: Canonical splice site variant predicted to result in a null allele in a gene for which loss of function is a known mechanism of disease; Not observed at significant frequency in large population cohorts (gnomAD); This variant is associated with the following publications: (PMID: 25087612, 25525159, 24166829, 34426522, 31589614, 12384776, 34014557, 37107695, 38044746, 28251416)

PreventionGenetics, part of Exact Sciences
Classification: Pathogenic for ASL-related condition. Last evaluated: 2025-02-17. Review status: criteria provided, single submitter. Criteria: ACMG Guidelines, 2015. Collection method: clinical testing. Allele origin: germline.
Comment: The ASL c.446+1G>A variant is predicted to disrupt the GT donor site and interfere with normal splicing. This variant, which has also been referred to in the literature as IVS5+1G>A, has been documented in many individuals to be causative for argininosuccinate lyase deficiency (for example, see Linnebank et al. 2002. PubMed ID: 12384776; Balmer et al. 2014. PubMed ID: 24166829). In an experimental study, this variant was reported to lead to the skipping of exon 5 (Linnebank et al. 2002. PubMed ID: 12384776). Variants that disrupt splice donor sites in ASL are expected to be pathogenic. This variant is interpreted as pathogenic.

Fulgent Genetics
Classification: Pathogenic for Argininosuccinate lyase deficiency. Last evaluated: 2024-04-08. Review status: criteria provided, single submitter. Criteria: ACMG Guidelines, 2015. Collection method: clinical testing. Allele origin: germline.

ARUP Laboratories, Molecular Genetics and Genomics, ARUP Laboratories
Classification: Pathogenic for Argininosuccinate lyase deficiency. Last evaluated: 2023-08-24. Review status: criteria provided, single submitter. Criteria: ARUP Molecular Germline Variant Investigation Process 2024. Collection method: clinical testing. Allele origin: germline.
Comment: The ASL c.446+1G>A variant (rs142637046) is reported in the literature in many individuals with argininosuccinic aciduria (Linnebank 2002, Toquet 2021). This variant is reported in ClinVar (Variation ID: 92361) and is found in the general population with an overall allele frequency of 0.005% (13/280,896 alleles) in the Genome Aggregation Database (v2.1.1). This variant disrupts the canonical splice donor site of intron 6, and experimental evidence found this variant results in the skipping of exon 5 (Linnebank 2002). Based on available information, this variant is considered to be pathogenic. References: Linnebank M et al. Argininosuccinate lyase (ASL) deficiency: mutation analysis in 27 patients and a completed structure of the human ASL gene. Hum Genet. 2002 Oct;111(4-5):350-9. PMID: 12384776. Toquet S et al. Adult-onset diagnosis of urea cycle disorders: Results of a French cohort of 71 patients. J Inherit Metab Dis. 2021 Sep;44(5):1199-1214. PMID: 34014557.

3billion
Classification: Pathogenic for Argininosuccinate lyase deficiency. Last evaluated: 2022-05-22. Review status: criteria provided, single submitter. Criteria: ACMG Guidelines, 2015. Collection method: clinical testing. Allele origin: germline. Affected: yes. Observed: 1 homozygote.
Comment: The variant is observed at an extremely low frequency in the gnomAD v2.1.1 dataset (total allele frequency: 0.005%). Canonical splice site: predicted to alter splicing and result in a loss or disruption of normal protein function through nonsense-mediated decay (NMD) or protein truncation. Multiple pathogenic variants are reported downstream of the variant. The variant has been reported at least twice as pathogenic with clinical assertions and evidence for the classification (ClinVar ID: VCV000092361). Therefore, this variant is classified as pathogenic according to the recommendation of ACMG/AMP guideline.

MGZ Medical Genetics Center
Classification: Pathogenic for Argininosuccinate lyase deficiency. Last evaluated: 2022-03-10. Review status: criteria provided, single submitter. Criteria: ACMG Guidelines, 2015. Collection method: clinical testing. Allele origin: germline. Affected: yes. Observed: 1 variant allele.
Comment: ACMG criteria applied: PVS1, PM3_STR, PS4_MOD, PM2_SUP

Myriad Genetics, Inc.
Classification: Pathogenic for Argininosuccinate lyase deficiency. Last evaluated: 2021-11-10. Review status: criteria provided, single submitter. Criteria: Myriad Women's Health Autosomal Recessive and X-Linked Classification Criteria (2021). Collection method: clinical testing. Allele origin: unknown.
Comment: NM_001024943.1(ASL):c.446+1G>A is a canonical splice variant classified as pathogenic in the context of argininosuccinic aciduria. c.446+1G>A has been observed in cases with relevant disease (PMID: 12384776). Functional assessments of this variant are available in the literature (PMID: 12384776). c.446+1G>A has been observed in population frequency databases (gnomAD: NFE <0.001%). In summary, NM_001024943.1(ASL):c.446+1G>A is a canonical splice variant in a gene where loss of function is a known mechanism of disease, is predicted to disrupt protein function, and has been observed more frequently in cases with the relevant disease than in healthy populations. Please note: this variant was assessed in the context of healthy population screening.

Genome Diagnostics Laboratory, University Medical Center Utrecht
Classification: Pathogenic for Argininosuccinate lyase deficiency. Last evaluated: 2017-07-28. Review status: criteria provided, single submitter. Criteria: ACGS Guidelines, 2013. Collection method: clinical testing. Allele origin: germline. Affected: yes. Study: VKGL Data-share Consensus.

Women's Health and Genetics/Laboratory Corporation of America, LabCorp
Classification: Pathogenic for Argininosuccinate lyase deficiency. Last evaluated: 2017-06-05. Review status: criteria provided, single submitter. Criteria: LabCorp Variant Classification Summary - May 2015. Collection method: clinical testing. Allele origin: germline.
Comment: Variant summary: The ASL c.446+1G>A variant involves the alteration of a conserved intronic nucleotide that 5/5 splice prediction tools predict a significant impact on splicing, which is supported by a functional study, Linnebank_2002. This variant was found in 6/117678 control chromosomes at a frequency of 0.000051, which does not exceed the estimated maximal expected allele frequency of a pathogenic ASL variant (0.0042258). The variant of interest (legacy name IVS5+1G>A) has been reported in multiple affected individuals as both compound heterozygotes and homozygotes. In addition, multiple clinical diagnostic laboratories/reputable databases classified this variant as pathogenic. Taken together, this variant is classified as pathogenic.

Eurofins Ntd Llc (ga)
Classification: Pathogenic. Last evaluated: 2013-08-22. Review status: criteria provided, single submitter. Criteria: EGL Classification Definitions 2015. Collection method: clinical testing. Allele origin: germline. Observed: 2 variant alleles, 2 heterozygotes.

Kariminejad - Najmabadi Pathology & Genetics Center
Classification: Pathogenic for Argininosuccinate lyase deficiency. Review status: criteria provided, single submitter. Criteria: ACMG Guidelines, 2015. Collection method: clinical testing. Allele origin: germline. Affected: no.

OMIM
Classification: Pathogenic for ARGININOSUCCINIC ACIDURIA. Last evaluated: 2002-10-01. Review status: no assertion criteria provided. Collection method: literature only. Allele origin: germline. Not counted in ClinVar's aggregate classification.

Clinical Genetics DNA and cytogenetics Diagnostics Lab, Erasmus MC, Erasmus Medical Center
Classification: Pathogenic. Review status: no assertion criteria provided. Collection method: clinical testing. Allele origin: germline. Affected: yes. Study: VKGL Data-share Consensus. Not counted in ClinVar's aggregate classification.

Clinical Genetics, Academic Medical Center
Classification: Pathogenic. Review status: no assertion criteria provided. Collection method: clinical testing. Allele origin: germline. Affected: yes. Study: VKGL Data-share Consensus. Not counted in ClinVar's aggregate classification.

Dr. Peter K. Rogan Lab, Western University
No classification provided (evidence only). Condition: Malignant tumor of urinary bladder. Review status: no classification provided. Collection method: in vitro. Allele origin: not applicable. Functional consequence: skipped exon. Not counted in ClinVar's aggregate classification.

Dr. Peter K. Rogan Lab, Western University
No classification provided (evidence only). Condition: Familial cancer of breast. Review status: no classification provided. Collection method: in vitro. Allele origin: not applicable. Functional consequence: retained intron. Not counted in ClinVar's aggregate classification.

Dr. Peter K. Rogan Lab, Western University
No classification provided (evidence only). Condition: Acute myeloid leukemia. Review status: no classification provided. Collection method: in vitro. Allele origin: not applicable. Functional consequence: skipped exon, retained intron. Not counted in ClinVar's aggregate classification.

Joint Genome Diagnostic Labs from Nijmegen and Maastricht, Radboudumc and MUMC+
Classification: Pathogenic. Review status: no assertion criteria provided. Collection method: clinical testing. Allele origin: germline. Affected: yes. Study: VKGL Data-share Consensus. Not counted in ClinVar's aggregate classification.

Literature cited by the submitters: PubMed 16199547 (cited by Labcorp Genetics (formerly Invitae), Labcorp); PubMed 2263616 (cited by Labcorp Genetics (formerly Invitae), Labcorp); PubMed 24166829 (cited by Labcorp Genetics (formerly Invitae), Labcorp and Natera, Inc.); PubMed 12384776 (cited by 5 submitters).